The following is an entry in ClinVar:

ClinVar aggregate classification (germline): Likely benign. Review status: reviewed by expert panel (3 of 4 stars). 8 submissions from 8 submitters: Likely benign (1). 7 of the submissions do not count toward it. Last evaluated 2017-06-29.

Conditions:
Hereditary cancer-predisposing syndrome. Also called: Neoplastic Syndromes, Hereditary; Hereditary neoplastic syndrome; Tumor predisposition; Hereditary Cancer Syndrome. Identifiers: Orphanet 140162, MedGen C0027672, MeSH D009386, MONDO:0015356.
Hereditary breast ovarian cancer syndrome. Also called: Hereditary breast and ovarian cancer syndrome (HBOC); BRCA1- and BRCA2-Associated Hereditary Breast and Ovarian Cancer; Hereditary breast and/or ovarian cancer syndrome; Hereditary breast and ovarian cancer syndrome; Hereditary breast and ovarian cancer; Breast and ovarian cancer. Identifiers: Orphanet 145, MedGen C0677776, MeSH D061325, MONDO:0003582. Disease mechanism: loss of function.
Breast-ovarian cancer, familial, susceptibility to, 1 (BROVCA1). Also called: BRCA1 Hereditary Breast and Ovarian Cancer; OVARIAN CANCER, SUSCEPTIBILITY TO. Identifiers: Orphanet 145, MedGen C2676676, MONDO:0011450, OMIM 604370. Disease mechanism: loss of function.

Allele frequency attached by ClinVar (database versions not stated): gnomAD exomes below 0.00001; ExAC 0.00001; gnomAD 0.00001.
gnomAD v4.1: 2 of 1,609,204 alleles (0.00012%); highest among the groups gnomAD compares: Admixed American, 0.0017%; no homozygotes.

Submissions (8):

Evidence-based Network for the Interpretation of Germline Mutant Alleles (ENIGMA)
Classification: Likely benign for Breast-ovarian cancer, familial, susceptibility to, 1. Last evaluated: 2017-06-29. Review status: reviewed by expert panel. Criteria: ENIGMA BRCA1/2 Classification Criteria (2017-06-29). Collection method: curation. Allele origin: germline.
Comment: Synonymous substitution variant, with low bioinformatic likelihood to result in a splicing aberration (Splicing prior probability 0.04).

Labcorp Genetics (formerly Invitae), Labcorp
Classification: Likely benign for Hereditary breast ovarian cancer syndrome. Last evaluated: 2025-12-08. Review status: criteria provided, single submitter. Criteria: Invitae Variant Classification Sherloc (09022015). Collection method: clinical testing. Allele origin: germline. Not counted in ClinVar's aggregate classification.

Quest Diagnostics Nichols Institute San Juan Capistrano
Classification: Likely benign. Last evaluated: 2025-08-20. Review status: criteria provided, single submitter. Criteria: Quest Diagnostics criteria. Collection method: clinical testing. Allele origin: unknown. Not counted in ClinVar's aggregate classification.

Women's Health and Genetics/Laboratory Corporation of America, LabCorp
Classification: Likely benign. Last evaluated: 2023-11-15. Review status: criteria provided, single submitter. Criteria: LabCorp Variant Classification Summary - May 2015. Collection method: clinical testing. Allele origin: germline. Not counted in ClinVar's aggregate classification.
Comment: Variant summary: BRCA1 c.303T>C (p.Tyr101Tyr) alters a nucleotide located close to a canonical splice site and therefore could affect mRNA splicing, leading to a significantly altered protein sequence. Consensus agreement among computation tools predict no significant impact on normal splicing. However, these predictions have yet to be confirmed by functional studies. The variant allele was found at a frequency of 4e-06 in 250608 control chromosomes. The available data on variant occurrences in the general population are insufficient to allow any conclusion about variant significance. To our knowledge, no occurrence of c.303T>C in individuals affected with Hereditary Breast And Ovarian Cancer Syndrome and no experimental evidence demonstrating its impact on protein function have been reported. Five submitters have cited clinical-significance assessments for this variant to ClinVar after 2014. All submitters classified the variant as likely benign. Based on the evidence outlined above, the variant was classified as likely benign.

Sema4
Classification: Likely benign for Hereditary cancer-predisposing syndrome. Last evaluated: 2022-03-17. Review status: criteria provided, single submitter. Criteria: Sema4 Curation Guidelines. Collection method: curation. Allele origin: germline. Not counted in ClinVar's aggregate classification.

GeneDx
Classification: Likely benign. Last evaluated: 2020-09-18. Review status: criteria provided, single submitter. Criteria: GeneDx Variant Classification Process June 2021. Collection method: clinical testing. Allele origin: germline. Affected: yes. Not counted in ClinVar's aggregate classification.
Comment: Not observed at a significant frequency in large population cohorts (Lek 2016); In silico analysis supports that this variant does not alter splicing; Also known as 422T>C

Blueprint Genetics
Classification: Likely benign. Last evaluated: 2019-09-27. Review status: criteria provided, single submitter. Criteria: ACMG Guidelines, 2015. Collection method: clinical testing. Allele origin: germline. Not counted in ClinVar's aggregate classification.

Ambry Genetics
Classification: Likely benign for Hereditary cancer-predisposing syndrome. Last evaluated: 2018-03-12. Review status: criteria provided, single submitter. Criteria: Ambry Variant Classification Scheme 2023. Collection method: clinical testing. Allele origin: germline. Not counted in ClinVar's aggregate classification.

NM_007294.4(BRCA1):c.303T>C (p.Tyr101=)

Gene: BRCA1 (BRCA1 DNA repair associated; minus strand). Cytogenetic location: 17q21.31.
Variant type: single nucleotide variant.
Coding change: c.303T>C on transcript NM_007294.4 (MANE Select); coding-DNA position 303, T replaced by C.
Protein change: p.Tyr101=; no amino-acid change (tyrosine 101 retained).
Molecular consequence: synonymous variant. On other transcripts: 5 prime UTR variant (7), intron variant (2).
Genome position (GRCh38, 1-based): chr17:43,104,260, A>G on the plus strand (T>C on the coding strand, the complement: BRCA1 is on the minus strand). VCF-style: chr17-43104260-A-G. GRCh37 (hg19) VCF-style: chr17-41256277-A-G.
Other names: c.303T>C, p.Tyr101= (NM_001407605.1, NM_001407610.1, NM_001407611.1 and 165 more transcripts); c.294T>C, p.Asp98= (NM_001407646.1, NM_001407647.1, NM_001408408.1); c.225T>C, p.Tyr75= (NM_001407653.1, NM_001407654.1, NM_001407655.1 and 21 more transcripts); c.162T>C, p.Tyr54= (NM_001407692.1, NM_001407694.1, NM_001407695.1 and 99 more transcripts); c.93T>C, p.Tyr31= (NM_001407853.1, NM_001407879.1, NM_001407881.1 and 58 more transcripts); c.-79T>C (NM_001407959.1, NM_001407960.1, NM_001407962.1 and 4 more transcripts); c.171T>C, p.Tyr57= (NM_001408451.1); c.-218-9400T>C (NM_001407967.1, NM_001407966.1).
Identifiers: ClinVar variation 427330 (VCV000427330.22), dbSNP rs80356936, ClinGen allele CA055678.